The following is an entry in ClinVar:

ClinVar aggregate classification (germline): Likely benign (1 of 4 stars; one submission).

Allele frequency attached by ClinVar (database versions not stated): gnomAD 0.00005; ExAC 0.00007; TOPMed 0.00007; 1000 Genomes Project 0.00020; 1000 Genomes Project 30x 0.00031.

Submission:

CeGaT Center for Human Genetics Tuebingen
Classification: Likely benign. Last evaluated: 2024-01-01. Review status: criteria provided, single submitter. Criteria: CeGaT Center For Human Genetics Tuebingen Variant Classification Criteria Version 2. Collection method: clinical testing. Allele origin: germline. Affected: yes. Observed: 1 variant allele.
Comment: ACTRT2: BP4, BP7

NM_080431.5(ACTRT2):c.600C>T (p.Ser200=)

Gene: ACTRT2 (actin related protein T2; plus strand). Cytogenetic location: 1p36.32.
Variant type: single nucleotide variant.
Coding change: c.600C>T on transcript NM_080431.5 (MANE Select); coding-DNA position 600, C replaced by T.
Protein change: p.Ser200=; no amino-acid change (serine 200 retained).
Molecular consequence: synonymous variant.
Genome position (GRCh38, 1-based): chr1:3,022,286, C>T. VCF-style: chr1-3022286-C-T. GRCh37 (hg19) VCF-style: chr1-2938850-C-T.
Identifiers: ClinVar variation 3025471 (VCV003025471.22), dbSNP rs533735087, ClinGen allele CA543404.